The following is an entry in ClinVar:

NM_024422.6(DSC2):c.489G>A (p.Thr163=)

Gene: DSC2 (desmocollin 2; minus strand). Cytogenetic location: 18q12.1.
Variant type: single nucleotide variant.
Coding change: c.489G>A on transcript NM_024422.6 (MANE Select); coding-DNA position 489, G replaced by A.
Protein change: p.Thr163=; no amino-acid change (threonine 163 retained).
Molecular consequence: synonymous variant.
Genome position (GRCh38, 1-based): chr18:31,089,580, C>T on the plus strand (G>A on the coding strand, the complement: DSC2 is on the minus strand). VCF-style: chr18-31089580-C-T. GRCh37 (hg19) VCF-style: chr18-28669543-C-T.
Other names: c.489G>A, p.Thr163= (NM_004949.5).
Identifiers: ClinVar variation 381907 (VCV000381907.22), dbSNP rs752952811, ClinGen allele CA038670.

ClinVar aggregate classification (germline): Conflicting classifications of pathogenicity. Review status: criteria provided, conflicting classifications (1 of 4 stars). 8 submissions from 8 submitters: Uncertain significance (1); Likely benign (7). Last evaluated 2026-09-21.

Conditions:
Arrhythmogenic right ventricular dysplasia 11. Also called: Arrhythmogenic Right Ventricular Dysplasia/Cardiomyopathy11; Arrhythmogenic right ventricular dysplasia 11 with mild palmoplantar keratoderma and woolly hair; ARRHYTHMOGENIC RIGHT VENTRICULAR DYSPLASIA, FAMILIAL, 11. Identifiers: MedGen C1864850, MONDO:0012506, OMIM 610476.
Cardiovascular phenotype. Identifiers: MedGen CN230736.
Familial isolated arrhythmogenic right ventricular dysplasia. Identifiers: Orphanet 217656, MedGen C4274968, MONDO:0016342.
Cardiomyopathy (CMYO). Also called: Cardiomyopathies. Identifiers: Orphanet 167848, MedGen C0878544, MONDO:0004994, HP:0001638. Inheritance: Various modes of inheritance.

Allele frequency attached by ClinVar (database versions not stated): ExAC 0.00002; gnomAD exomes 0.00002; TOPMed 0.00002.

Submissions (8):

Molecular Diagnostic Laboratory for Inherited Cardiovascular Disease, Montreal Heart Institute
Classification: Likely benign. Last evaluated: 2026-09-21. Review status: criteria provided, single submitter. Criteria: ACMG Guidelines, 2015. Collection method: clinical testing. Allele origin: germline. Affected: no.

CeGaT Center for Human Genetics Tuebingen
Classification: Likely benign. Last evaluated: 2026-07-01. Review status: criteria provided, single submitter. Criteria: CeGaT Center For Human Genetics Tuebingen Variant Classification Criteria Version 2. Collection method: clinical testing. Allele origin: germline. Affected: yes. Observed: 2 variant alleles.
Comment: DSC2: BP4, BP7

Labcorp Genetics (formerly Invitae), Labcorp
Classification: Likely benign for Arrhythmogenic right ventricular dysplasia 11. Last evaluated: 2025-07-02. Review status: criteria provided, single submitter. Criteria: Invitae Variant Classification Sherloc (09022015). Collection method: clinical testing. Allele origin: germline.

Blueprint Genetics
Classification: Uncertain significance. Last evaluated: 2023-09-12. Review status: criteria provided, single submitter. Criteria: ACMG Guidelines, 2015. Collection method: clinical testing. Allele origin: germline.

All of Us Research Program, National Institutes of Health
Classification: Likely benign for Familial isolated arrhythmogenic right ventricular dysplasia. Last evaluated: 2023-08-28. Review status: criteria provided, single submitter. Criteria: ACMG Guidelines, 2015. Collection method: clinical testing. Allele origin: germline. Inheritance: Autosomal dominant inheritance. Observed: 2 variant alleles, 2 heterozygotes.
Comment: This study involves interpretation of variants in research participants for the purpose of population health screening. Participant phenotype was not available at the time of variant classification. Additional details can be found in publication PMID: 35346344, PMCID: PMC8962531

Ambry Genetics
Classification: Likely benign for Cardiovascular phenotype. Last evaluated: 2019-08-16. Review status: criteria provided, single submitter. Criteria: Ambry Variant Classification Scheme 2023. Collection method: clinical testing. Allele origin: germline.

Color Diagnostics, LLC DBA Color Health
Classification: Likely benign for Cardiomyopathy. Last evaluated: 2019-07-15. Review status: criteria provided, single submitter. Criteria: ACMG Guidelines, 2015. Collection method: clinical testing. Allele origin: germline.

GeneDx
Classification: Likely benign. Last evaluated: 2015-12-01. Review status: criteria provided, single submitter. Criteria: GeneDx Variant Classification (06012015). Collection method: clinical testing. Allele origin: germline. Affected: yes.
Comment: This variant is considered likely benign or benign based on one or more of the following criteria: it is a conservative change, it occurs at a poorly conserved position in the protein, it is predicted to be benign by multiple in silico algorithms, and/or has population frequency not consistent with disease.